The following is an entry in ClinVar:

NM_000091.5(COL4A3):c.2950A>T (p.Lys984Ter)

Genes: MFF-DT (MFF divergent transcript; minus strand), COL4A3 (collagen type IV alpha 3 chain; plus strand). Cytogenetic location: 2q36.3.
Variant type: single nucleotide variant.
Coding change: c.2950A>T on transcript NM_000091.5 (MANE Select); coding-DNA position 2950, A replaced by T.
Protein change: p.Lys984Ter; replaces lysine 984 with a stop codon.
Molecular consequence: nonsense.
Genome position (GRCh38, 1-based): chr2:227,289,218, A>T. VCF-style: chr2-227289218-A-T. GRCh37 (hg19) VCF-style: chr2-228153934-A-T.
Other names: short protein forms K984*.
Identifiers: ClinVar variation 1726562 (VCV001726562.2), dbSNP rs2469816176, ClinGen allele CA350854384.

ClinVar aggregate classification (germline): Likely pathogenic (1 of 4 stars; one submission).

Conditions:
Autosomal recessive Alport syndrome (ATS2). Also called: Alport syndrome type 2; COL4A4 Alport Syndrome and Thin Basement Membrane Nephropathy; ALPORT SYNDROME 2, AUTOSOMAL RECESSIVE; COL4A3-Related Nephropathy. Identifiers: Orphanet 63, Orphanet 88919, MedGen C4746745, MONDO:0008762, OMIM 203780.

Submission:

Myriad Genetics, Inc.
Classification: Likely pathogenic for Autosomal recessive Alport syndrome. Last evaluated: 2021-12-21. Review status: criteria provided, single submitter. Criteria: Myriad Women's Health Autosomal Recessive and X-Linked Classification Criteria (2021). Collection method: clinical testing. Allele origin: unknown.
Comment: NM_000091.4(COL4A3):c.2950A>T(K984*) is expected to be pathogenic in the context of COL4A3-related Alport syndrome. This variant is predicted to lead to an abnormal or absent protein product due to the creation of a premature termination codon in COL4A3, a gene where loss-of-function variants are known to be pathogenic. Please note: this variant was assessed in the context of healthy population screening.